The following is an entry in ClinVar:

NM_004655.4(AXIN2):c.274G>A (p.Ala92Thr)

Gene: AXIN2 (axin 2; minus strand). Cytogenetic location: 17q24.1.
Variant type: single nucleotide variant.
Coding change: c.274G>A on transcript NM_004655.4 (MANE Select); coding-DNA position 274, G replaced by A.
Protein change: p.Ala92Thr; replaces alanine 92 with threonine.
Molecular consequence: missense variant.
Genome position (GRCh38, 1-based): chr17:65,558,347, C>T on the plus strand (G>A on the coding strand, the complement: AXIN2 is on the minus strand). VCF-style: chr17-65558347-C-T. GRCh37 (hg19) VCF-style: chr17-63554465-C-T.
Other names: c.274G>A, p.Ala92Thr (NM_001363813.1); short protein forms A92T.
Identifiers: ClinVar variation 2188987 (VCV002188987.7), dbSNP rs2044305046, ClinGen allele CA400681762.

ClinVar aggregate classification (germline): Uncertain significance. Review status: criteria provided, multiple submitters, no conflicts (2 of 4 stars). 2 submissions from 2 submitters: Uncertain significance (2). Last evaluated 2025-06-06.

Conditions:
Oligodontia-cancer predisposition syndrome. Also called: TOOTH AGENESIS-COLORECTAL CANCER SYNDROME. Identifiers: Orphanet 300576, MedGen C1837750, MONDO:0012075, OMIM 608615. Disease mechanism: loss of function.
Hereditary cancer-predisposing syndrome. Also called: Hereditary Cancer Syndrome; Tumor predisposition; Hereditary neoplastic syndrome; Neoplastic Syndromes, Hereditary. Identifiers: Orphanet 140162, MedGen C0027672, MeSH D009386, MONDO:0015356.

Submissions (2):

Ambry Genetics
Classification: Uncertain significance for Hereditary cancer-predisposing syndrome. Last evaluated: 2025-06-06. Review status: criteria provided, single submitter. Criteria: Ambry Variant Classification Scheme 2023. Collection method: clinical testing. Allele origin: germline.
Comment: The p.A92T variant (also known as c.274G>A), located in coding exon 1 of the AXIN2 gene, results from a G to A substitution at nucleotide position 274. The alanine at codon 92 is replaced by threonine, an amino acid with similar properties. This amino acid position is not well conserved in available vertebrate species. In addition, this alteration is predicted to be tolerated by in silico analysis. Based on the available evidence, the clinical significance of this variant remains unclear.

Labcorp Genetics (formerly Invitae), Labcorp
Classification: Uncertain significance for Oligodontia-cancer predisposition syndrome. Last evaluated: 2025-04-23. Review status: criteria provided, single submitter. Criteria: Invitae Variant Classification Sherloc (09022015). Collection method: clinical testing. Allele origin: germline.
Comment: This sequence change replaces alanine, which is neutral and non-polar, with threonine, which is neutral and polar, at codon 92 of the AXIN2 protein (p.Ala92Thr). This variant is not present in population databases (gnomAD no frequency). This variant has not been reported in the literature in individuals affected with AXIN2-related conditions. ClinVar contains an entry for this variant (Variation ID: 2188987). Invitae Evidence Modeling of protein sequence and biophysical properties (such as structural, functional, and spatial information, amino acid conservation, physicochemical variation, residue mobility, and thermodynamic stability) indicates that this missense variant is not expected to disrupt AXIN2 protein function with a negative predictive value of 80%. In summary, the available evidence is currently insufficient to determine the role of this variant in disease. Therefore, it has been classified as a Variant of Uncertain Significance.